The following is an entry in ClinVar:

NM_000217.3(KCNA1):c.1373A>G (p.Glu458Gly)

Gene: KCNA1 (potassium voltage-gated channel subfamily A member 1; plus strand). Cytogenetic location: 12p13.32.
Variant type: single nucleotide variant.
Coding change: c.1373A>G on transcript NM_000217.3 (MANE Select); coding-DNA position 1373, A replaced by G.
Protein change: p.Glu458Gly; replaces glutamic acid 458 with glycine.
Molecular consequence: missense variant.
Genome position (GRCh38, 1-based): chr12:4,912,751, A>G. VCF-style: chr12-4912751-A-G. GRCh37 (hg19) VCF-style: chr12-5021917-A-G.
Other names: short protein forms E458G.
Identifiers: ClinVar variation 4808935 (VCV004808935.1).

ClinVar aggregate classification (germline): Uncertain significance (1 of 4 stars; one submission).

Conditions:
Episodic ataxia type 1 (EA1). Also called: Episodic ataxia/myokymia syndrome; ATAXIA, EPISODIC, WITH MYOKYMIA; MYOKYMIA WITH PERIODIC ATAXIA; PAROXYSMAL ATAXIA WITH NEUROMYOTONIA, HEREDITARY. Identifiers: Orphanet 37612, Orphanet 972, MedGen C1719788, MONDO:0008047, OMIM 160120.

gnomAD v4.1: 2 of 1,614,050 alleles (0.00012%); highest among the groups gnomAD compares: Middle Eastern, 0.016%; no homozygotes.

Submission:

Labcorp Genetics (formerly Invitae), Labcorp
Classification: Uncertain significance for Episodic ataxia type 1. Last evaluated: 2025-10-15. Review status: criteria provided, single submitter. Criteria: Invitae Variant Classification Sherloc (09022015). Collection method: clinical testing. Allele origin: germline.
Comment: This sequence change replaces glutamic acid, which is acidic and polar, with glycine, which is neutral and non-polar, at codon 458 of the KCNA1 protein (p.Glu458Gly). This variant is present in population databases (no rsID available, gnomAD 0.0009%). This variant has not been reported in the literature in individuals affected with KCNA1-related conditions. Invitae Evidence Modeling of protein sequence and biophysical properties (such as structural, functional, and spatial information, amino acid conservation, physicochemical variation, residue mobility, and thermodynamic stability) has been performed for this missense variant. However, the output from this modeling did not meet the statistical confidence thresholds required to predict the impact of this variant on KCNA1 protein function. In summary, the available evidence is currently insufficient to determine the role of this variant in disease. Therefore, it has been classified as a Variant of Uncertain Significance.